The following is an entry in ClinVar:

NM_002645.4(PIK3C2A):c.3440T>C (p.Met1147Thr)

Gene: PIK3C2A (phosphatidylinositol-4-phosphate 3-kinase catalytic subunit type 2 alpha; minus strand). Cytogenetic location: 11p15.1.
Variant type: single nucleotide variant.
Coding change: c.3440T>C on transcript NM_002645.4 (MANE Select); coding-DNA position 3440, T replaced by C.
Protein change: p.Met1147Thr; replaces methionine 1147 with threonine.
Molecular consequence: missense variant.
Genome position (GRCh38, 1-based): chr11:17,110,536, A>G on the plus strand (T>C on the coding strand, the complement: PIK3C2A is on the minus strand). VCF-style: chr11-17110536-A-G. GRCh37 (hg19) VCF-style: chr11-17132083-A-G.
Other names: c.3440T>C, p.Met1147Thr (NM_001321378.2); c.2300T>C, p.Met767Thr (NM_001321380.2); c.3272T>C, p.Met1091Thr (NM_001386870.1); short protein forms M1147T, M767T, M1091T.
Identifiers: ClinVar variation 2992154 (VCV002992154.3), dbSNP rs540582751, ClinGen allele CA5900765.

ClinVar aggregate classification (germline): Uncertain significance (1 of 4 stars; one submission).

Allele frequency attached by ClinVar (database versions not stated): gnomAD exomes below 0.00001; ExAC 0.00001; gnomAD 0.00001; TOPMed 0.00001; 1000 Genomes Project 30x 0.00016; 1000 Genomes Project 0.00020.

Submission:

Labcorp Genetics (formerly Invitae), Labcorp
Classification: Uncertain significance. Last evaluated: 2024-01-12. Review status: criteria provided, single submitter. Criteria: Invitae Variant Classification Sherloc (09022015). Collection method: clinical testing. Allele origin: germline.
Comment: This sequence change replaces methionine, which is neutral and non-polar, with threonine, which is neutral and polar, at codon 1147 of the PIK3C2A protein (p.Met1147Thr). This variant is present in population databases (rs540582751, gnomAD 0.006%). This variant has not been reported in the literature in individuals affected with PIK3C2A-related conditions. An algorithm developed to predict the effect of missense changes on protein structure and function (PolyPhen-2) suggests that this variant is likely to be disruptive. In summary, the available evidence is currently insufficient to determine the role of this variant in disease. Therefore, it has been classified as a Variant of Uncertain Significance.